The following is an entry in ClinVar:

ClinVar aggregate classification (germline): Likely benign. Review status: criteria provided, multiple submitters, no conflicts (2 of 4 stars). 4 submissions from 4 submitters: Likely benign (4). Last evaluated 2026-01-05.

Conditions:
CACNA1F-related disorder. Also called: CACNA1F-related condition.

Allele frequency attached by ClinVar (database versions not stated): gnomAD 0.00005; gnomAD exomes 0.00014; ExAC 0.00017; ESP Exome Variant Server 0.00019.
gnomAD v4.1: 94 of 1,209,933 alleles (0.0078%); highest among the groups gnomAD compares: Middle Eastern, 0.023%; no homozygotes.

Submissions (4):

Labcorp Genetics (formerly Invitae), Labcorp
Classification: Likely benign. Last evaluated: 2026-01-05. Review status: criteria provided, single submitter. Criteria: Invitae Variant Classification Sherloc (09022015). Collection method: clinical testing. Allele origin: germline.

PreventionGenetics, part of Exact Sciences
Classification: Likely benign for CACNA1F-related condition. Last evaluated: 2025-07-07. Review status: criteria provided, single submitter. Criteria: ACMG Guidelines, 2015. Collection method: clinical testing. Allele origin: germline.
Comment: This variant is classified as likely benign based on ACMG/AMP sequence variant interpretation guidelines (Richards et al. 2015 PMID: 25741868, with internal and published modifications).

Blueprint Genetics
Classification: Likely benign. Last evaluated: 2024-07-12. Review status: criteria provided, single submitter. Criteria: ACMG Guidelines, 2015. Collection method: clinical testing. Allele origin: germline.

CeGaT Center for Human Genetics Tuebingen
Classification: Likely benign. Last evaluated: 2022-05-01. Review status: criteria provided, single submitter. Criteria: CeGaT Center For Human Genetics Tuebingen Variant Classification Criteria Version 2. Collection method: clinical testing. Allele origin: germline. Affected: yes. Observed: 1 variant allele.
Comment: CACNA1F: BP4, BP7

NM_001256789.3(CACNA1F):c.1276+26G>A

Gene: CACNA1F (calcium voltage-gated channel subunit alpha1 F; minus strand). Cytogenetic location: Xp11.23.
Variant type: single nucleotide variant.
Coding change: c.1276+26G>A on transcript NM_001256789.3 (MANE Select); 26 bases into the intron after coding-DNA position 1276, G replaced by A.
Molecular consequence: intron variant. On other transcripts: synonymous variant (2).
Genome position (GRCh38, 1-based): chrX:49,226,944, C>T on the plus strand (G>A on the coding strand, the complement: CACNA1F is on the minus strand). VCF-style: chrX-49226944-C-T. GRCh37 (hg19) VCF-style: chrX-49083406-C-T.
Other names: c.1107G>A, p.Ala369= (NM_001256790.3); c.1302G>A, p.Ala434= (NM_005183.4); c.1302G>A (NM_005183.3).
Identifiers: ClinVar variation 1160005 (VCV001160005.34), dbSNP rs146199637, ClinGen allele CA10410917.